The following is an entry in ClinVar:

ClinVar aggregate classification (germline): Benign. Review status: reviewed by expert panel (3 of 4 stars). 19 submissions from 18 submitters: Benign (1). 18 of the submissions do not count toward it. Last evaluated 2023-08-10.

Conditions:
Ovarian neoplasm. Also called: Ovarian Neoplasms; Neoplasm of ovary; Ovarian tumor. Identifiers: MedGen C0919267, MeSH D010051, MONDO:0021068, HP:0100615.
Prostate cancer. Also called: Malignant tumor of prostate. Identifiers: Orphanet 1331, MedGen C0376358, MONDO:0008315, HP:0012125.
Familial cancer of breast. Also called: BREAST CANCER, FAMILIAL; Hereditary breast cancer; hereditary breast carcinoma. Identifiers: Orphanet 227535, MedGen C0346153, MONDO:0016419, OMIM 114480. Disease mechanism: loss of function.
Hereditary diffuse gastric adenocarcinoma (HDGC). Also called: DIFFUSE GASTRIC AND LOBULAR BREAST CANCER SYNDROME. Identifiers: Orphanet 26106, MedGen C1708349, MONDO:0007648, OMIM 137215.
Blepharocheilodontic syndrome 1 (BCDS1). Identifiers: Orphanet 1997, MedGen C4551988, MONDO:0054740, OMIM 119580.
Endometrial carcinoma. Also called: Endometrial carcinoma, somatic. Identifiers: MedGen C0476089, MONDO:0002447, OMIM 608089, HP:0012114.
CDH1-related diffuse gastric and lobular breast cancer syndrome. Also called: CDH1-related diffuse gastric and lobular breast cancer. Identifiers: MedGen CN311521, MONDO:0100488.
Breast and/or ovarian cancer. Identifiers: MedGen CN221562.
Hereditary cancer-predisposing syndrome. Also called: Hereditary Cancer Syndrome; Tumor predisposition; Hereditary neoplastic syndrome; Neoplastic Syndromes, Hereditary. Identifiers: Orphanet 140162, MedGen C0027672, MeSH D009386, MONDO:0015356.
Hereditary breast ovarian cancer syndrome. Also called: Hereditary breast and/or ovarian cancer syndrome; Hereditary breast and ovarian cancer syndrome; Hereditary breast and ovarian cancer syndrome (HBOC); Hereditary breast and ovarian cancer; Breast and ovarian cancer; BRCA1- and BRCA2-Associated Hereditary Breast and Ovarian Cancer. Identifiers: Orphanet 145, MedGen C0677776, MeSH D061325, MONDO:0003582. Disease mechanism: loss of function.

Allele frequency attached by ClinVar (database versions not stated): gnomAD exomes 0.00001 and 0.00002; gnomAD 0.00009 and 0.00012; TOPMed 0.00014; ExAC 0.00003.
gnomAD v4.1: 73 of 1,614,132 alleles (0.0045%); highest among the groups gnomAD compares: East Asian, 0.029%; no homozygotes.

Submissions 1 to 16 of 19:

Clingen Gastric Cancer Variant Curation Expert Panel
Classification: Benign for CDH1-related diffuse gastric and lobular breast cancer syndrome. Last evaluated: 2023-08-10. Review status: reviewed by expert panel. Criteria: ClinGen CDH1 ACMG Specifications V3.1. Collection method: curation. Allele origin: germline. Inheritance: Autosomal dominant inheritance.
Comment: The c.1409C>T (p.Thr470Ile) variant was observed in trans with a known pathogenic CDH1 variant with phase confirmed (BP2_Strong; PMID: 9537325). This variant was also observed in the homozygous state in at least 6 individuals without a personal and/or family history of diffuse gastric cancer, signet ring cell tumor or lobular breast cancer (BP2_Strong; internal laboratory contributors). Additionally, this variant has been observed in >10 individuals without a diagnosis of diffuse gastric cancer, signet ring tumor or lobular breast cancer and whose family histories do not suggest HDGC (BS2; internal laboratory contributors). In summary, this variant meets criteria to be classified as benign. ACMG/AMP criteria applied, as specified by the CDH1 Variant Curation Expert Panel (Variant Interpretation Guidelines Version 3.1): BP2_Strong, BS2.

Labcorp Genetics (formerly Invitae), Labcorp
Classification: Benign for Hereditary diffuse gastric adenocarcinoma. Last evaluated: 2026-02-03. Review status: criteria provided, single submitter. Criteria: Invitae Variant Classification Sherloc (09022015). Collection method: clinical testing. Allele origin: germline. Not counted in ClinVar's aggregate classification.

Center for Genomic Medicine, Rigshospitalet, Copenhagen University Hospital
Classification: Benign. Last evaluated: 2025-03-04. Review status: criteria provided, single submitter. Criteria: ACMG Guidelines, 2015. Collection method: clinical testing. Allele origin: germline. Not counted in ClinVar's aggregate classification.

Blueprint Genetics
Classification: Benign. Last evaluated: 2024-11-06. Review status: criteria provided, single submitter. Criteria: ACMG Guidelines, 2015. Collection method: clinical testing. Allele origin: germline. Not counted in ClinVar's aggregate classification.

Myriad Genetics, Inc.
Classification: Likely benign for Hereditary diffuse gastric adenocarcinoma. Last evaluated: 2023-03-07. Review status: criteria provided, single submitter. Criteria: Myriad Autosomal Dominant, Autosomal Recessive and X-Linked Classification Criteria (2023). Collection method: clinical testing. Allele origin: unknown. Not counted in ClinVar's aggregate classification.
Comment: This variant is considered likely benign. Homozygosity has been confirmed in one or more individuals. As homozygosity for pathogenic variants in this gene is generally assumed to result in embryonic lethality, this variant is unlikely to be pathogenic.

European Reference Network on Genetic Tumour Risk Syndromes (ERN-GENTURIS), i3s - Instituto de Investigação e Inovação em Saúde, University of Porto
Classification: Benign for Hereditary diffuse gastric adenocarcinoma. Last evaluated: 2022-08-01. Review status: criteria provided, single submitter. Criteria: Lee et al. (Hum Mutat. 2018). Collection method: clinical testing. Allele origin: germline. Inheritance: Autosomal dominant inheritance. Affected: no. Study: ERN GENTURIS. Not counted in ClinVar's aggregate classification.
Comment: BS2; BP2_Strong (PMID: 30311375)

Quest Diagnostics Nichols Institute San Juan Capistrano
Classification: Benign. Last evaluated: 2022-07-06. Review status: criteria provided, single submitter. Criteria: Quest Diagnostics criteria. Collection method: clinical testing. Allele origin: unknown. Not counted in ClinVar's aggregate classification.

CHEO Genetics Diagnostic Laboratory, Children's Hospital of Eastern Ontario
Classification: Uncertain significance for Breast and/or ovarian cancer. Last evaluated: 2022-07-05. Review status: criteria provided, single submitter. Criteria: ACMG Guidelines, 2015. Collection method: clinical testing. Allele origin: germline. Not counted in ClinVar's aggregate classification.

Fulgent Genetics
Classification: Likely benign for Familial cancer of breast; Blepharocheilodontic syndrome 1; Hereditary diffuse gastric adenocarcinoma; Ovarian cancer; Familial prostate cancer; Endometrial carcinoma. Last evaluated: 2022-03-18. Review status: criteria provided, single submitter. Criteria: ACMG Guidelines, 2015. Collection method: clinical testing. Allele origin: unknown. Not counted in ClinVar's aggregate classification.

Sema4
Classification: Likely benign for Hereditary cancer-predisposing syndrome. Last evaluated: 2021-05-27. Review status: criteria provided, single submitter. Criteria: Sema4 Curation Guidelines. Collection method: curation. Allele origin: germline. Not counted in ClinVar's aggregate classification.

Ambry Genetics
Classification: Benign for Hereditary cancer-predisposing syndrome. Last evaluated: 2019-01-17. Review status: criteria provided, single submitter. Criteria: Ambry Variant Classification Scheme 2023. Collection method: clinical testing. Allele origin: germline. Not counted in ClinVar's aggregate classification.

GeneDx
Classification: Likely benign. Last evaluated: 2017-11-07. Review status: criteria provided, single submitter. Criteria: GeneDx Variant Classification (06012015). Collection method: clinical testing. Allele origin: germline. Affected: yes. Not counted in ClinVar's aggregate classification.
Comment: This variant is considered likely benign or benign based on one or more of the following criteria: it is a conservative change, it occurs at a poorly conserved position in the protein, it is predicted to be benign by multiple in silico algorithms, and/or has population frequency not consistent with disease.

Women's Health and Genetics/Laboratory Corporation of America, LabCorp
Classification: Benign. Last evaluated: 2017-08-16. Review status: criteria provided, single submitter. Criteria: LabCorp Variant Classification Summary - May 2015. Collection method: clinical testing. Allele origin: germline. Not counted in ClinVar's aggregate classification.
Comment: Variant summary: The CDH1 c.1409C>T (p.Thr470Ile) variant involves the alteration of a conserved nucleotide. 4/4 in silico tools predict a damaging outcome for this variant (SNPsandGO not captured due to low reliability index). This variant was found in 4/121516 control chromosomes, predominantly observed in the East Asian subpopulation at a frequency of 0.000347 (3/8654). This frequency is about 12 times the estimated maximal expected allele frequency of a pathogenic CDH1 variant (0.0000283), suggesting this is likely a benign polymorphism found primarily in the populations of East Asian origin. The variant has been reported in affected individuals in the literature, without strong evidence for causality. One publication cites the variant in a gastric cancer family who also carried a pathogenic CDH1 variant, and the authors state the variant of interest did not co-segregate with disease in this family (Garziera_2013). In addition, multiple clinical diagnostic laboratories/reputable databases classified this variant as likely benign. Taken together, this variant is classified as benign.

Color Diagnostics, LLC DBA Color Health
Classification: Likely benign for Hereditary cancer-predisposing syndrome. Last evaluated: 2015-08-11. Review status: criteria provided, single submitter. Criteria: ACMG Guidelines, 2015. Collection method: clinical testing. Allele origin: germline. Not counted in ClinVar's aggregate classification.

Institute for Biomarker Research, Medical Diagnostic Laboratories, L.L.C.
Classification: Uncertain significance for Hereditary cancer-predisposing syndrome. Last evaluated: 2021-09-27. Review status: no assertion criteria provided. Collection method: clinical testing. Allele origin: germline. Not counted in ClinVar's aggregate classification.

Institute for Biomarker Research, Medical Diagnostic Laboratories, L.L.C.
Classification: Uncertain significance for Hereditary breast ovarian cancer syndrome. Last evaluated: 2021-09-03. Review status: no assertion criteria provided. Collection method: clinical testing. Allele origin: germline. Not counted in ClinVar's aggregate classification.

NM_004360.5(CDH1):c.1409C>T (p.Thr470Ile)

Gene: CDH1 (cadherin 1; plus strand). Cytogenetic location: 16q22.1.
Variant type: single nucleotide variant.
Coding change: c.1409C>T on transcript NM_004360.5 (MANE Select); coding-DNA position 1409, C replaced by T.
Protein change: p.Thr470Ile; replaces threonine 470 with isoleucine.
Molecular consequence: missense variant. On other transcripts: 5 prime UTR variant (2).
Genome position (GRCh38, 1-based): chr16:68,815,603, C>T. VCF-style: chr16-68815603-C-T. GRCh37 (hg19) VCF-style: chr16-68849506-C-T.
Other names: p.T470I:ACA>ATA; NM_004360.4(CDH1):c.1409C>T; NM_004360.5(CDH1):c.1409C>T; c.1226C>T, p.Thr409Ile (NM_001317184.2); c.-140C>T (NM_001317185.2); c.-411C>T (NM_001317186.2); c.1409C>T (LRG_301t1); short protein forms T470I, T409I.
Identifiers: ClinVar variation 127913 (VCV000127913.36), dbSNP rs370864592, ClinGen allele CA151518.
Genomic context (GRCh38, chr16:68,815,603, plus strand): 5'-ACATTCTACACGTAGCAGTGACGAATGTGGTACCTTTTGAGGTCTCTCTCACCACCTCCA[C>T]AGCCACCGTCACCGTGGATGTGCTGGATGTGAATGAAGCCCCCATCTTTGTGCCTCCTGA-3'
Protein context (NP_004351.1, residues 460-480): VPFEVSLTTS[Thr470Ile]ATVTVDVLDV